The following is an entry in ClinVar:

ClinVar aggregate classification (germline): Uncertain significance (1 of 4 stars; one submission).

Conditions:
Paroxysmal nonkinesigenic dyskinesia. Also called: Paroxysmal non-kinesigenic dyskinesia. Identifiers: Orphanet 98810, MedGen C1869117, MONDO:0700088.

Submission:

Labcorp Genetics (formerly Invitae), Labcorp
Classification: Uncertain significance for Paroxysmal nonkinesigenic dyskinesia. Last evaluated: 2022-07-20. Review status: criteria provided, single submitter. Criteria: Invitae Variant Classification Sherloc (09022015). Collection method: clinical testing. Allele origin: germline.
Comment: This variant has not been reported in the literature in individuals affected with PNKD-related conditions. This variant is not present in population databases (gnomAD no frequency). This sequence change replaces glycine, which is neutral and non-polar, with alanine, which is neutral and non-polar, at codon 68 of the PNKD protein (p.Gly68Ala). Algorithms developed to predict the effect of missense changes on protein structure and function output the following: SIFT: "Tolerated"; PolyPhen-2: "Benign"; Align-GVGD: "Class C0". The alanine amino acid residue is found in multiple mammalian species, which suggests that this missense change does not adversely affect protein function. In summary, the available evidence is currently insufficient to determine the role of this variant in disease. Therefore, it has been classified as a Variant of Uncertain Significance.

NM_015488.5(PNKD):c.203G>C (p.Gly68Ala)

Gene: PNKD (PNKD metallo-beta-lactamase domain containing; plus strand). Cytogenetic location: 2q35.
Variant type: single nucleotide variant.
Coding change: c.203G>C on transcript NM_015488.5 (MANE Select); coding-DNA position 203, G replaced by C.
Protein change: p.Gly68Ala; replaces glycine 68 with alanine.
Molecular consequence: missense variant.
Genome position (GRCh38, 1-based): chr2:218,271,516, G>C. VCF-style: chr2-218271516-G-C. GRCh37 (hg19) VCF-style: chr2-219136239-G-C.
Other names: c.203G>C, p.Gly68Ala (NM_001077399.3); short protein forms G68A.
Identifiers: ClinVar variation 1720653 (VCV001720653.5), dbSNP rs1690830446, ClinGen allele CA350544864.